The following is an entry in ClinVar:

NM_004937.3(CTNS):c.681+2dup

Genes: CTNS (cystinosin, lysosomal cystine transporter; plus strand), CTNS-AS1 (CTNS antisense RNA 1; minus strand). Cytogenetic location: 17p13.2.
Variant type: Duplication.
Coding change: c.681+2dup on transcript NM_004937.3 (MANE Select); the canonical splice donor site of the intron after coding-DNA position 681, one base duplicated (T; older notation c.681+2dupT).
Molecular consequence: splice donor variant.
Genome position (GRCh38, 1-based): chr17:3,656,797, T duplicated. VCF-style (leftmost placement, unchanged base first): chr17-3656796-G-GT. GRCh37 (hg19) VCF-style: chr17-3560090-G-GT.
Other names: c.681+2dup (NM_001031681.3, NM_001374492.1); c.240+2dup (NM_001374493.1, NM_001374495.1, NM_001374494.1 and 1 more transcripts).
Identifiers: ClinVar variation 1929457 (VCV001929457.5), dbSNP rs2507764885, ClinGen allele CA2580093511.

ClinVar aggregate classification (germline): Uncertain significance (1 of 4 stars; one submission).

Conditions:
Inborn genetic diseases. Identifiers: MedGen C0950123, MeSH D030342.
Juvenile nephropathic cystinosis. Also called: Later-Onset (Juvenile) Cystinosis; Intermediate Cystinosis; CYSTINOSIS, LATE-ONSET JUVENILE OR ADOLESCENT NEPHROPATHIC TYPE. Identifiers: Orphanet 213, Orphanet 411634, MedGen C0268626, MONDO:0009066, OMIM 219900.
Ocular cystinosis. Also called: Non-Nephropathic (Ocular) Cystinosis; Non-Nephropathic Cystinosis. Identifiers: Orphanet 213, Orphanet 411641, MedGen C2931013, MONDO:0009064, OMIM 219750.

Submission:

Labcorp Genetics (formerly Invitae), Labcorp
Classification: Uncertain significance for Inborn genetic diseases; Ocular cystinosis; Juvenile nephropathic cystinosis. Last evaluated: 2021-12-25. Review status: criteria provided, single submitter. Criteria: Invitae Variant Classification Sherloc (09022015). Collection method: clinical testing. Allele origin: germline.
Comment: This sequence change falls in intron 9 of the CTNS gene. It does not directly change the encoded amino acid sequence of the CTNS protein. It affects a nucleotide within the consensus splice site. This variant is not present in population databases (gnomAD no frequency). This variant has not been reported in the literature in individuals affected with CTNS-related conditions. Variants that disrupt the consensus splice site are a relatively common cause of aberrant splicing (PMID: 17576681, 9536098). Algorithms developed to predict the effect of sequence changes on RNA splicing suggest that this variant may disrupt the consensus splice site. In summary, the available evidence is currently insufficient to determine the role of this variant in disease. Therefore, it has been classified as a Variant of Uncertain Significance.

Literature cited by the submitters: PubMed 17576681; PubMed 9536098.